The following is an entry in ClinVar:

NM_001042492.3(NF1):c.7214T>G (p.Ile2405Ser)

Gene: NF1 (neurofibromin 1; plus strand). Cytogenetic location: 17q11.2.
Variant type: single nucleotide variant.
Coding change: c.7214T>G on transcript NM_001042492.3 (MANE Select); coding-DNA position 7214, T replaced by G.
Protein change: p.Ile2405Ser; replaces isoleucine 2405 with serine.
Molecular consequence: missense variant.
Genome position (GRCh38, 1-based): chr17:31,349,144, T>G. VCF-style: chr17-31349144-T-G. GRCh37 (hg19) VCF-style: chr17-29676162-T-G.
Other names: c.7151T>G, p.Ile2384Ser (NM_000267.4); short protein forms I2405S, I2384S.
Identifiers: ClinVar variation 1757400 (VCV001757400.2), dbSNP rs2151572542, ClinGen allele CA399016700.

ClinVar aggregate classification (germline): Uncertain significance (1 of 4 stars; one submission).

Conditions:
Hereditary cancer-predisposing syndrome. Also called: Neoplastic Syndromes, Hereditary; Tumor predisposition; Hereditary Cancer Syndrome; Hereditary neoplastic syndrome. Identifiers: Orphanet 140162, MedGen C0027672, MeSH D009386, MONDO:0015356.
Cardiovascular phenotype. Identifiers: MedGen CN230736.

Submission:

Ambry Genetics
Classification: Uncertain significance for Cardiovascular phenotype; Hereditary cancer-predisposing syndrome. Last evaluated: 2021-09-30. Review status: criteria provided, single submitter. Criteria: Ambry Variant Classification Scheme 2023. Collection method: clinical testing. Allele origin: germline.
Comment: The p.I2384S variant (also known as c.7151T>G), located in coding exon 48 of the NF1 gene, results from a T to G substitution at nucleotide position 7151. The isoleucine at codon 2384 is replaced by serine, an amino acid with dissimilar properties. This amino acid position is not well conserved in available vertebrate species. In addition, this alteration is predicted to be tolerated by in silico analysis. Since supporting evidence is limited at this time, the clinical significance of this alteration remains unclear.